The following is an entry in ClinVar:

ClinVar aggregate classification (germline): Uncertain significance. Review status: criteria provided, multiple submitters, no conflicts (2 of 4 stars). 2 submissions from 2 submitters: Uncertain significance (2). Last evaluated 2021-08-04.

Conditions:
Short stature-brachydactyly-obesity-global developmental delay syndrome. Also called: SHORT STATURE, BRACHYDACTYLY, IMPAIRED INTELLECTUAL DEVELOPMENT, AND SEIZURES; Short stature, brachydactyly, intellectual developmental disability, and seizures. Identifiers: Orphanet 464288, MedGen C4310689, MONDO:0014944, OMIM 617157.
Inborn genetic diseases. Identifiers: MedGen C0950123, MeSH D030342.

Allele frequency attached by ClinVar (database versions not stated): gnomAD 0.00002 and 0.00003; ExAC 0.00003; gnomAD exomes 0.00004; TOPMed 0.00004.
gnomAD v4.1: 39 of 1,613,842 alleles (0.0024%); highest among the groups gnomAD compares: Middle Eastern, 0.016%; no homozygotes.

Submissions (2):

Ambry Genetics
Classification: Uncertain significance for Inborn genetic diseases. Last evaluated: 2021-08-04. Review status: criteria provided, single submitter. Criteria: Ambry Variant Classification Scheme 2023. Collection method: clinical testing. Allele origin: germline.

Baylor Genetics
Classification: Uncertain significance for Short stature-brachydactyly-obesity-global developmental delay syndrome. Last evaluated: 2018-10-25. Review status: criteria provided, single submitter. Criteria: ACMG Guidelines, 2015. Collection method: clinical testing. Allele origin: maternal. Affected: yes.
Comment: This variant was determined to be of uncertain significance according to ACMG Guidelines, 2015 [PMID:25741868].

NM_019023.5(PRMT7):c.1078C>T (p.Arg360Cys)

Gene: PRMT7 (protein arginine methyltransferase 7; plus strand). Cytogenetic location: 16q22.1.
Variant type: single nucleotide variant.
Coding change: c.1078C>T on transcript NM_019023.5 (MANE Select); coding-DNA position 1078, C replaced by T.
Protein change: p.Arg360Cys; replaces arginine 360 with cysteine.
Molecular consequence: missense variant. On other transcripts: non-coding transcript variant (12).
Genome position (GRCh38, 1-based): chr16:68,346,167, C>T. VCF-style: chr16-68346167-C-T. GRCh37 (hg19) VCF-style: chr16-68380070-C-T.
Other names: c.928C>T, p.Arg310Cys (NM_001184824.4); c.1078C>T, p.Arg360Cys (NM_001290018.2, NM_001351143.3, NM_001351144.3 and 1 more transcripts); c.871C>T, p.Arg291Cys (NM_001378020.1); c.841C>T, p.Arg281Cys (NM_001378021.1, NM_001378022.1, NM_001378023.1); short protein forms R281C, R310C, R360C, R291C.
Identifiers: ClinVar variation 1032052 (VCV001032052.4), dbSNP rs775110866, ClinGen allele CA8127323.
Genomic context (GRCh38, chr16:68,346,167, plus strand): 5'-CTCACAGCCCACGTCTGTTTGTTCATCTCCTGGCCTAGCCCTGAAAAGAATGAGAGAGTC[C>T]GCCAGATGCGCCCCGTGTGTGACTGCCAGGCTCACCTGCTCTGGAACCGGCCTCGGTTTG-3'
Protein context (NP_061896.1, residues 350-370): RTSPEKNERV[Arg360Cys]QMRPVCDCQA